The following is an entry in ClinVar:

ClinVar aggregate classification (germline): Conflicting classifications of pathogenicity. Review status: criteria provided, conflicting classifications (1 of 4 stars). 5 submissions from 5 submitters: Uncertain significance (4); Likely benign (1). Last evaluated 2026-07-22.

Conditions:
Autosomal recessive limb-girdle muscular dystrophy type 2Q (LGMDR17). Also called: MUSCULAR DYSTROPHY, LIMB-GIRDLE, AUTOSOMAL RECESSIVE 17. Identifiers: Orphanet 254361, MedGen C3150989, MONDO:0013390, OMIM 613723.
Epidermolysis bullosa simplex 5B, with muscular dystrophy (EBS5B). Also called: EPIDERMOLYSIS BULLOSA SIMPLEX AND LIMB-GIRDLE MUSCULAR DYSTROPHY; Epidermolysis bullosa simplex with muscular dystrophy. Identifiers: Orphanet 257, MedGen C2931072, MONDO:0009181, OMIM 226670.
Epidermolysis bullosa simplex, Ogna type (EBS5A). Also called: Pidermolysis bullosa simplex 5A, Ogna type; EPIDERMOLYSIS BULLOSA SIMPLEX 5A, OGNA TYPE. Identifiers: Orphanet 79401, MedGen C0432317, MONDO:0007555, OMIM 131950.
Epidermolysis bullosa simplex with nail dystrophy (EBS5D). Identifiers: MedGen C4225309, MONDO:0014661, OMIM 616487.
Epidermolysis bullosa simplex 5C, with pyloric atresia (EBS5C). Also called: PLEC-Related Epidermolysis Bullosa with Pyloric Atresia; Epidermolysis bullosa simplex with pyloric atresia; PLEC1-Related Epidermolysis Bullosa with Pyloric Atresia. Identifiers: Orphanet 158684, MedGen C2677349, MONDO:0012807, OMIM 612138.
PLEC-related disorder. Also called: PLEC-related disorders; PLEC-related condition.
Inborn genetic diseases. Identifiers: MedGen C0950123, MeSH D030342.

Allele frequency attached by ClinVar (database versions not stated): gnomAD exomes 0.00003 and 0.00007; ExAC 0.00004; gnomAD 0.00006 and 0.00007; TOPMed 0.00007.
gnomAD v4.1: 104 of 1,585,312 alleles (0.0066%); highest among the groups gnomAD compares: African/African-American, 0.012%; no homozygotes.

Submissions (5):

PreventionGenetics, part of Exact Sciences
Classification: Uncertain significance for PLEC-related condition. Last evaluated: 2026-07-22. Review status: criteria provided, single submitter. Criteria: ACMG Guidelines, 2015. Collection method: clinical testing. Allele origin: germline.
Comment: The PLEC c.6023G>A variant is predicted to result in the amino acid substitution p.Arg2008Gln. To our knowledge, this variant has not been reported in the literature. This variant is reported in 0.0069% of alleles in individuals of South Asian descent in gnomAD. At this time, the clinical significance of this variant is uncertain due to the absence of conclusive functional and genetic evidence.

Labcorp Genetics (formerly Invitae), Labcorp
Classification: Uncertain significance for Autosomal recessive limb-girdle muscular dystrophy type 2Q; Epidermolysis bullosa simplex, Ogna type; Epidermolysis bullosa simplex with nail dystrophy; Epidermolysis bullosa simplex 5C, with pyloric atresia; Epidermolysis bullosa simplex 5B, with muscular dystrophy. Last evaluated: 2025-05-06. Review status: criteria provided, single submitter. Criteria: Invitae Variant Classification Sherloc (09022015). Collection method: clinical testing. Allele origin: germline.
Comment: This sequence change replaces arginine, which is basic and polar, with glutamine, which is neutral and polar, at codon 2008 of the PLEC protein (p.Arg2008Gln). The frequency data for this variant in the population databases is considered unreliable, as metrics indicate poor data quality at this position in the gnomAD database. This variant has not been reported in the literature in individuals affected with PLEC-related conditions. ClinVar contains an entry for this variant (Variation ID: 499219). An algorithm developed to predict the effect of missense changes on protein structure and function outputs the following: PolyPhen-2: "Not Available". The glutamine amino acid residue is found in multiple mammalian species, which suggests that this missense change does not adversely affect protein function. In summary, the available evidence is currently insufficient to determine the role of this variant in disease. Therefore, it has been classified as a Variant of Uncertain Significance.

Ambry Genetics
Classification: Likely benign for Inborn genetic diseases. Last evaluated: 2023-12-27. Review status: criteria provided, single submitter. Criteria: Ambry Variant Classification Scheme 2023. Collection method: clinical testing. Allele origin: germline.

Revvity Omics, Revvity
Classification: Uncertain significance. Last evaluated: 2023-06-15. Review status: criteria provided, single submitter. Criteria: ACMG Guidelines, 2015. Collection method: clinical testing. Allele origin: germline.

Eurofins Ntd Llc (ga)
Classification: Uncertain significance. Last evaluated: 2017-01-03. Review status: criteria provided, single submitter. Criteria: EGL Classification Definitions 2015. Collection method: clinical testing. Allele origin: germline. Observed: 1 variant allele, 1 heterozygote.

NM_201384.3(PLEC):c.5942G>A (p.Arg1981Gln)

Gene: PLEC (plectin; minus strand). Cytogenetic location: 8q24.3.
Variant type: single nucleotide variant.
Coding change: c.5942G>A on transcript NM_201384.3 (MANE Select); coding-DNA position 5942, G replaced by A.
Protein change: p.Arg1981Gln; replaces arginine 1981 with glutamine.
Molecular consequence: missense variant.
Genome position (GRCh38, 1-based): chr8:143,923,987, C>T on the plus strand (G>A on the coding strand, the complement: PLEC is on the minus strand). VCF-style: chr8-143923987-C-T. GRCh37 (hg19) VCF-style: chr8-144998155-C-T.
Other names: c.6023G>A (NM_000445.4, NM_000445.3); c.6023G>A, p.Arg2008Gln (NM_000445.5); c.5900G>A, p.Arg1967Gln (NM_201378.4); c.5876G>A, p.Arg1959Gln (NM_201379.3); c.6353G>A, p.Arg2118Gln (NM_201380.4); c.5846G>A, p.Arg1949Gln (NM_201381.3); c.5942G>A, p.Arg1981Gln (NM_201382.4); c.5954G>A, p.Arg1985Gln (NM_201383.3); short protein forms R1949Q, R1959Q, R1967Q, R1981Q, R1985Q, R2008Q, R2118Q.
Identifiers: ClinVar variation 499219 (VCV000499219.15), dbSNP rs782635621, ClinGen allele CA4926177.